The following is an entry in ClinVar:

ClinVar aggregate classification (germline): Benign/Likely benign. Review status: criteria provided, multiple submitters, no conflicts (2 of 4 stars). 6 submissions from 6 submitters: Benign (4); Likely benign (2). Last evaluated 2025-08-21.

Conditions:
Developmental and epileptic encephalopathy, 23 (DEE23). Also called: Epileptic encephalopathy, early infantile, 23. Identifiers: Orphanet 411986, MedGen C4014492, MONDO:0014371, OMIM 615859.

Submissions (6):

Athena Diagnostics
Classification: Benign. Last evaluated: 2025-08-21. Review status: criteria provided, single submitter. Criteria: Athena Diagnostics Criteria. Collection method: clinical testing. Allele origin: unknown.
Comment: The frequency of this variant in the general population is higher than would generally be expected for pathogenic variants in this gene.

Blueprint Genetics
Classification: Likely benign. Last evaluated: 2024-11-26. Review status: criteria provided, single submitter. Criteria: ACMG Guidelines, 2015. Collection method: clinical testing. Allele origin: germline.

Genome-Nilou Lab
Classification: Benign for Developmental and epileptic encephalopathy, 23. Last evaluated: 2023-04-11. Review status: criteria provided, single submitter. Criteria: ACMG Guidelines, 2015. Collection method: clinical testing. Allele origin: germline. Affected: no.

GeneDx
Classification: Likely benign. Last evaluated: 2021-03-18. Review status: criteria provided, single submitter. Criteria: GeneDx Variant Classification Process June 2021. Collection method: clinical testing. Allele origin: germline. Affected: yes.

Labcorp Genetics (formerly Invitae), Labcorp
Classification: Benign for Epileptic encephalopathy, early infantile, 23. Last evaluated: 2019-10-30. Review status: criteria provided, single submitter. Criteria: Invitae Variant Classification Sherloc (09022015). Collection method: clinical testing. Allele origin: germline.

Mayo Clinic Laboratories, Mayo Clinic
Classification: Benign. Last evaluated: 2018-12-05. Review status: criteria provided, single submitter. Criteria: ACMG Guidelines, 2015. Collection method: clinical testing. Allele origin: germline. Observed: 485 variant alleles.

NM_001367561.1(DOCK7):c.1872-9del

Gene: DOCK7 (dedicator of cytokinesis 7; minus strand). Cytogenetic location: 1p31.3.
Variant type: Deletion.
Coding change: c.1872-9del on transcript NM_001367561.1 (MANE Select); 9 bases into the intron before coding-DNA position 1872, one base deleted (T; older notation c.1872-9delT).
Molecular consequence: intron variant.
Genome position (GRCh38, 1-based): chr1:62,578,975, A deleted on the plus strand (T on the coding strand, the reverse complement: DOCK7 is on the minus strand); the first of 15 consecutive A bases (chr1:62,578,975-62,578,989); deleting any one gives the same sequence. VCF-style (leftmost placement, unchanged base first): chr1-62578974-CA-C. GRCh37 (hg19) VCF-style: chr1-63044645-CA-C.
Other names: p.?; c.1872-9del (NM_001272001.2, NM_001272000.2, NM_033407.4 and 3 more transcripts); c.1872-9delT (NM_001271999.1).
Identifiers: ClinVar variation 706982 (VCV000706982.10), dbSNP rs199915737, ClinGen allele CA886408.
Genomic context (GRCh38, chr1:62,578,974, plus strand): 5'-CAGTTAAAGTAGCAGGAAGCTTAACCTTGATTTCTTCATGAAAATCAGGAGACCTTCATA[CA>C]AAAAAAAAAAAAAATCAACAGTCAGTAATTTGTCCAAAATAAATAATGTATTTGTATATT-3'